The following is an entry in ClinVar:

NM_001376.5(DYNC1H1):c.12399+10T>G

Gene: DYNC1H1 (dynein cytoplasmic 1 heavy chain 1; plus strand). Cytogenetic location: 14q32.31.
Variant type: single nucleotide variant.
Coding change: c.12399+10T>G on transcript NM_001376.5 (MANE Select); 10 bases into the intron after coding-DNA position 12399, T replaced by G.
Molecular consequence: intron variant.
Genome position (GRCh38, 1-based): chr14:102,042,517, T>G. VCF-style: chr14-102042517-T-G. GRCh37 (hg19) VCF-style: chr14-102508854-T-G.
Identifiers: ClinVar variation 751761 (VCV000751761.8), dbSNP rs1033442950, ClinGen allele CA915946458.

ClinVar aggregate classification (germline): Likely benign. Review status: criteria provided, single submitter (1 of 4 stars). 2 submissions from 2 submitters: Likely benign (1). 1 of the submissions does not count toward it. Last evaluated 2025-08-11.

Conditions:
DYNC1H1-related disorder. Also called: DYNC1H1-related condition; DYNC1H1-related disorders. Identifiers: MedGen CN381529.
Charcot-Marie-Tooth disease axonal type 2O. Also called: Charcot-Marie-Tooth disease, axonal, type 20; CHARCOT-MARIE-TOOTH NEUROPATHY, AXONAL, TYPE 2O; CHARCOT-MARIE-TOOTH DISEASE, AXONAL, AUTOSOMAL DOMINANT, TYPE 2O; Charcot-Marie-Tooth Neuropathy Type 2O. Identifiers: Orphanet 284232, MedGen C3280220, MONDO:0013644, OMIM 614228.

Submissions (2):

Labcorp Genetics (formerly Invitae), Labcorp
Classification: Likely benign for Charcot-Marie-Tooth disease axonal type 2O. Last evaluated: 2025-08-11. Review status: criteria provided, single submitter. Criteria: Invitae Variant Classification Sherloc (09022015). Collection method: clinical testing. Allele origin: germline.

PreventionGenetics, part of Exact Sciences
Classification: Likely benign for DYNC1H1-related condition. Last evaluated: 2022-09-27. Review status: no assertion criteria provided. Collection method: clinical testing. Allele origin: germline. Not counted in ClinVar's aggregate classification.
Comment: This variant is classified as likely benign based on ACMG/AMP sequence variant interpretation guidelines (Richards et al. 2015 PMID: 25741868, with internal and published modifications).